The following is an entry in ClinVar:

ClinVar aggregate classification (germline): Likely benign (1 of 4 stars; one submission).

Allele frequency attached by ClinVar (database versions not stated): ExAC 0.00001; ESP Exome Variant Server 0.00008.
gnomAD v4.1: 84 of 1,600,946 alleles (0.0052%); highest among the groups gnomAD compares: South Asian, 0.0078%; no homozygotes.

Submission:

CeGaT Center for Human Genetics Tuebingen
Classification: Likely benign. Last evaluated: 2023-04-01. Review status: criteria provided, single submitter. Criteria: CeGaT Center For Human Genetics Tuebingen Variant Classification Criteria Version 2. Collection method: clinical testing. Allele origin: germline. Affected: yes. Observed: 1 variant allele.
Comment: AHDC1: BP4, BP7

NM_001371928.1(AHDC1):c.4146G>A (p.Pro1382=)

Gene: AHDC1 (AT-hook DNA binding motif containing 1; minus strand). Cytogenetic location: 1p36.11.
Variant type: single nucleotide variant.
Coding change: c.4146G>A on transcript NM_001371928.1 (MANE Select); coding-DNA position 4146, G replaced by A.
Protein change: p.Pro1382=; no amino-acid change (proline 1382 retained).
Molecular consequence: synonymous variant.
Genome position (GRCh38, 1-based): chr1:27,547,970, C>T on the plus strand (G>A on the coding strand, the complement: AHDC1 is on the minus strand). VCF-style: chr1-27547970-C-T. GRCh37 (hg19) VCF-style: chr1-27874481-C-T.
Other names: c.4146G>A, p.Pro1382= (NM_001029882.3); c.102G>A, p.Pro34= (NM_015699.1).
Identifiers: ClinVar variation 2638563 (VCV002638563.24), dbSNP rs147352724, ClinGen allele CA715427.